The following is an entry in ClinVar:

ClinVar aggregate classification (germline): Conflicting classifications of pathogenicity. Review status: criteria provided, conflicting classifications (1 of 4 stars). 5 submissions from 5 submitters: Uncertain significance (4); Likely benign (1). Last evaluated 2026-10-20.

Conditions:
Inborn genetic diseases. Identifiers: MedGen C0950123, MeSH D030342.
Autosomal recessive Parkinson disease 14. Also called: DYSTONIA-PARKINSONISM, ADULT-ONSET; PARKINSON DISEASE 14. Identifiers: Orphanet 199351, MedGen C2751842, MONDO:0013060, OMIM 612953.
Infantile neuroaxonal dystrophy (NBIA2A). Also called: NEURODEGENERATION WITH BRAIN IRON ACCUMULATION 2A; SEITELBERGER DISEASE; Infantile neuroaxonal dystrophy 1. Identifiers: Orphanet 35069, MedGen C0270724, MONDO:0024457, OMIM 256600.
Neurodegeneration with brain iron accumulation 2B. Also called: NEUROAXONAL DYSTROPHY, ATYPICAL; NEURODEGENERATION WITH BRAIN IRON ACCUMULATION, PLA2G6-RELATED; aNAD; atypical Neuroaxonal Dystrophy (aNAD). Identifiers: Orphanet 35069, MedGen C1857747, MONDO:0012444, OMIM 610217.

Allele frequency attached by ClinVar (database versions not stated): ExAC 0.00002; gnomAD exomes 0.00004 and 0.00007; TOPMed 0.00005; gnomAD 0.00006 and 0.00007; ESP Exome Variant Server 0.00008.
gnomAD v4.1: 107 of 1,613,988 alleles (0.0066%); highest among the groups gnomAD compares: Non-Finnish European, 0.0084%; no homozygotes.

Submissions (5):

GeneDx
Classification: Uncertain significance. Last evaluated: 2026-10-20. Review status: criteria provided, single submitter. Criteria: GeneDx Variant Classification Process June 2021. Collection method: clinical testing. Allele origin: germline.
Comment: Not observed at significant frequency in large population cohorts (gnomAD); In silico analysis suggests that this missense variant does not alter protein structure/function; Has not been previously published as pathogenic or benign to our knowledge

CeGaT Center for Human Genetics Tuebingen
Classification: Uncertain significance. Last evaluated: 2025-03-01. Review status: criteria provided, single submitter. Criteria: CeGaT Center For Human Genetics Tuebingen Variant Classification Criteria Version 2. Collection method: clinical testing. Allele origin: germline. Affected: yes. Observed: 1 variant allele.
Comment: PLA2G6: PM2, BP4

Ambry Genetics
Classification: Likely benign for Inborn genetic diseases. Last evaluated: 2022-12-28. Review status: criteria provided, single submitter. Criteria: Ambry Variant Classification Scheme 2023. Collection method: clinical testing. Allele origin: germline.

Labcorp Genetics (formerly Invitae), Labcorp
Classification: Uncertain significance for Infantile neuroaxonal dystrophy. Last evaluated: 2022-09-12. Review status: criteria provided, single submitter. Criteria: Invitae Variant Classification Sherloc (09022015). Collection method: clinical testing. Allele origin: germline.
Comment: This sequence change replaces valine, which is neutral and non-polar, with isoleucine, which is neutral and non-polar, at codon 617 of the PLA2G6 protein (p.Val617Ile). This variant is present in population databases (rs139579057, gnomAD 0.01%). This variant has not been reported in the literature in individuals affected with PLA2G6-related conditions. ClinVar contains an entry for this variant (Variation ID: 1346987). Advanced modeling of protein sequence and biophysical properties (such as structural, functional, and spatial information, amino acid conservation, physicochemical variation, residue mobility, and thermodynamic stability) performed at Invitae indicates that this missense variant is not expected to disrupt PLA2G6 protein function. In summary, the available evidence is currently insufficient to determine the role of this variant in disease. Therefore, it has been classified as a Variant of Uncertain Significance.

Fulgent Genetics
Classification: Uncertain significance for Infantile neuroaxonal dystrophy; Neurodegeneration with brain iron accumulation 2B; Autosomal recessive Parkinson disease 14. Last evaluated: 2021-10-01. Review status: criteria provided, single submitter. Criteria: ACMG Guidelines, 2015. Collection method: clinical testing. Allele origin: unknown.

NM_003560.4(PLA2G6):c.1849G>A (p.Val617Ile)

Gene: PLA2G6 (phospholipase A2 group VI; minus strand). Cytogenetic location: 22q13.1.
Variant type: single nucleotide variant.
Coding change: c.1849G>A on transcript NM_003560.4 (MANE Select); coding-DNA position 1849, G replaced by A.
Protein change: p.Val617Ile; replaces valine 617 with isoleucine.
Molecular consequence: missense variant.
Genome position (GRCh38, 1-based): chr22:38,116,105, C>T on the plus strand (G>A on the coding strand, the complement: PLA2G6 is on the minus strand). VCF-style: chr22-38116105-C-T. GRCh37 (hg19) VCF-style: chr22-38512112-C-T.
Other names: c.1687G>A, p.Val563Ile (NM_001004426.3, NM_001199562.3, NM_001349865.2 and 1 more transcripts); c.1849G>A, p.Val617Ile (NM_001349864.2); c.1315G>A, p.Val439Ile (NM_001349867.2); c.1171G>A, p.Val391Ile (NM_001349868.2); c.1153G>A, p.Val385Ile (NM_001349869.2); short protein forms V385I, V391I, V563I, V439I, V617I.
Identifiers: ClinVar variation 1346987 (VCV001346987.15), dbSNP rs139579057, ClinGen allele CA10230702.